The following is an entry in ClinVar:

NM_020964.3(EPG5):c.5570C>T (p.Ala1857Val)

Gene: EPG5 (ectopic P-granules 5 autophagy tethering factor; minus strand). Cytogenetic location: 18q12.3.
Variant type: single nucleotide variant.
Coding change: c.5570C>T on transcript NM_020964.3 (MANE Select); coding-DNA position 5570, C replaced by T.
Protein change: p.Ala1857Val; replaces alanine 1857 with valine.
Molecular consequence: missense variant.
Genome position (GRCh38, 1-based): chr18:45,880,172, G>A on the plus strand (C>T on the coding strand, the complement: EPG5 is on the minus strand). VCF-style: chr18-45880172-G-A. GRCh37 (hg19) VCF-style: chr18-43460137-G-A.
Other names: c.5570C>T, p.Ala1857Val (NM_001410858.1, NM_001410859.1); short protein forms A1857V.
Identifiers: ClinVar variation 3021881 (VCV003021881.3), dbSNP rs1210711478, ClinGen allele CA402343839.

ClinVar aggregate classification (germline): Uncertain significance (1 of 4 stars; one submission).

Conditions:
Vici syndrome (VICIS). Identifiers: Orphanet 1493, MedGen C1855772, MONDO:0009452, OMIM 242840.

Allele frequency attached by ClinVar (database versions not stated): gnomAD exomes below 0.00001.
gnomAD v4.1: 4 of 1,611,456 alleles (0.00025%); highest among the groups gnomAD compares: African/African-American, 0.0013%; no homozygotes.

Submission:

Labcorp Genetics (formerly Invitae), Labcorp
Classification: Uncertain significance for Vici syndrome. Last evaluated: 2024-01-02. Review status: criteria provided, single submitter. Criteria: Invitae Variant Classification Sherloc (09022015). Collection method: clinical testing. Allele origin: germline.
Comment: This sequence change replaces alanine, which is neutral and non-polar, with valine, which is neutral and non-polar, at codon 1857 of the EPG5 protein (p.Ala1857Val). This variant is not present in population databases (gnomAD no frequency). This variant has not been reported in the literature in individuals affected with EPG5-related conditions. Advanced modeling of protein sequence and biophysical properties (such as structural, functional, and spatial information, amino acid conservation, physicochemical variation, residue mobility, and thermodynamic stability) performed at Invitae indicates that this missense variant is not expected to disrupt EPG5 protein function with a negative predictive value of 80%. In summary, the available evidence is currently insufficient to determine the role of this variant in disease. Therefore, it has been classified as a Variant of Uncertain Significance.